The following is an entry in ClinVar:

ClinVar aggregate classification (germline): Uncertain significance (1 of 4 stars; one submission).

Conditions:
Inborn genetic diseases. Identifiers: MedGen C0950123, MeSH D030342.

Submission:

Ambry Genetics
Classification: Uncertain significance for Inborn genetic diseases. Last evaluated: 2026-05-28. Review status: criteria provided, single submitter. Criteria: Ambry Variant Classification Scheme 2023. Collection method: clinical testing. Allele origin: germline.
Comment: The p.R1146G variant (also known as c.3436A>G), located in coding exon 35 of the FANCA gene, results from an A to G substitution at nucleotide position 3436. The arginine at codon 1146 is replaced by glycine, an amino acid with dissimilar properties. This amino acid position is conserved. In addition, this alteration is predicted to be tolerated by in silico analysis. Based on the available evidence, the clinical significance of this variant remains unclear.

NM_000135.4(FANCA):c.3436A>G (p.Arg1146Gly)

Gene: FANCA (FA complementation group A; minus strand). Cytogenetic location: 16q24.3.
Variant type: single nucleotide variant.
Coding change: c.3436A>G on transcript NM_000135.4 (MANE Select); coding-DNA position 3436, A replaced by G.
Protein change: p.Arg1146Gly; replaces arginine 1146 with glycine.
Molecular consequence: missense variant.
Genome position (GRCh38, 1-based): chr16:89,746,661, T>C on the plus strand (A>G on the coding strand, the complement: FANCA is on the minus strand). VCF-style: chr16-89746661-T-C. GRCh37 (hg19) VCF-style: chr16-89813069-T-C.
Other names: c.3436A>G, p.Arg1146Gly (NM_001286167.3); short protein forms R1146G.
Identifiers: ClinVar variation 3512739 (VCV003512739.2).